The following is an entry in ClinVar:

ClinVar aggregate classification (germline): Pathogenic. Review status: reviewed by expert panel (3 of 4 stars). 5 submissions from 5 submitters: Pathogenic (1). 4 of the submissions do not count toward it. Last evaluated 2016-10-18.

Conditions:
Hereditary breast ovarian cancer syndrome. Also called: Hereditary breast and ovarian cancer; Hereditary breast and ovarian cancer syndrome (HBOC); Hereditary breast and/or ovarian cancer syndrome; Breast and ovarian cancer; Hereditary breast and ovarian cancer syndrome; BRCA1- and BRCA2-Associated Hereditary Breast and Ovarian Cancer. Identifiers: Orphanet 145, MedGen C0677776, MeSH D061325, MONDO:0003582. Disease mechanism: loss of function.
Breast-ovarian cancer, familial, susceptibility to, 2 (BROVCA2). Also called: BRCA2 Hereditary Breast and Ovarian Cancer. Identifiers: Orphanet 145, MedGen C2675520, MONDO:0012933, OMIM 612555. Disease mechanism: loss of function.

Submissions (5):

Evidence-based Network for the Interpretation of Germline Mutant Alleles (ENIGMA)
Classification: Pathogenic for Breast-ovarian cancer, familial, susceptibility to, 2. Last evaluated: 2016-10-18. Review status: reviewed by expert panel. Criteria: ENIGMA BRCA1/2 Classification Criteria (2015). Collection method: curation. Allele origin: germline.
Comment: Variant allele predicted to encode a truncated non-functional protein.

Labcorp Genetics (formerly Invitae), Labcorp
Classification: Pathogenic for Hereditary breast ovarian cancer syndrome. Last evaluated: 2024-07-03. Review status: criteria provided, single submitter. Criteria: Invitae Variant Classification Sherloc (09022015). Collection method: clinical testing. Allele origin: germline. Not counted in ClinVar's aggregate classification.
Comment: This sequence change creates a premature translational stop signal (p.Ile1034Asnfs*2) in the BRCA2 gene. It is expected to result in an absent or disrupted protein product. Loss-of-function variants in BRCA2 are known to be pathogenic (PMID: 20104584). This variant is not present in population databases (gnomAD no frequency). This variant has not been reported in the literature in individuals affected with BRCA2-related conditions. ClinVar contains an entry for this variant (Variation ID: 266735). For these reasons, this variant has been classified as Pathogenic.

Laboratory for Molecular Medicine, Mass General Brigham Personalized Medicine
Classification: Likely pathogenic for Hereditary breast ovarian cancer syndrome. Last evaluated: 2020-06-19. Review status: criteria provided, single submitter. Criteria: ACMG Guidelines, 2015. Collection method: clinical testing. Allele origin: germline. Not counted in ClinVar's aggregate classification.
Comment: The p.Ile1034AsnfsX2 variant in BRCA2 has not been reported in the literature in individuals with hereditary breast and/or ovarian cancer (HBOC) and was absent from large population studies. However, this variant was classified as pathogenic on April 22, 2016 by the ClinGen-approved ENIGMA expert panel (ClinVar SCV000324133.1). This variant is predicted to cause a frameshift, which alters the protein’s amino acid sequence beginning at position 1034 and leads to a premature termination codon 2 amino acids downstream. This alteration is then predicted to lead to a truncated or absent protein. Loss of function of the BRCA2 gene is an established disease mechanism in autosomal dominant HBOC. In summary, although additional studies are required to fully establish its clinical significance, this variant meets criteria to be classified as likely pathogenic for autosomal dominant hereditary breast and ovarian cancer. ACMG/AMP codes applied: PVS1, PM2.

Consortium of Investigators of Modifiers of BRCA1/2 (CIMBA), c/o University of Cambridge
Classification: Pathogenic for Breast-ovarian cancer, familial, susceptibility to, 2. Last evaluated: 2015-10-02. Review status: criteria provided, single submitter. Criteria: CIMBA Mutation Classification guidelines May 2016. Collection method: clinical testing. Allele origin: germline. Not counted in ClinVar's aggregate classification.

Research Molecular Genetics Laboratory, Women's College Hospital, University of Toronto
Classification: Pathogenic for Hereditary breast ovarian cancer syndrome. Last evaluated: 2014-01-31. Review status: no assertion criteria provided. Collection method: research. Allele origin: germline. Affected: yes. Study: The Canadian Open Genetics Repository (COGR). Not counted in ClinVar's aggregate classification.

Literature cited by the submitters: PubMed 20104584 (cited by Labcorp Genetics (formerly Invitae), Labcorp).

NC_000013.11:g.32337455dup

Gene: BRCA2 (BRCA2 DNA repair associated; plus strand). Cytogenetic location: 13q13.1.
Variant type: Duplication.
Genome position: GRCh38 VCF-style: chr13-32337454-T-TA. GRCh37 (hg19) VCF-style: chr13-32911591-T-TA.
Other names: 3327_3328insA; c.3100dup, p.Ile1034fs (LRG_293t1).
Identifiers: ClinVar variation 266735 (VCV000266735.8), dbSNP rs886040460, ClinGen allele CA10589187.